The following is an entry in ClinVar:

NM_000051.4(ATM):c.7456del (p.Arg2486fs)

Genes: ATM (ATM serine/threonine kinase; plus strand), C11orf65 (chromosome 11 open reading frame 65; minus strand). Cytogenetic location: 11q22.3.
Variant type: Deletion.
Coding change: c.7456del on transcript NM_000051.4 (MANE Select); coding-DNA position 7456, one base deleted (C; older notation c.7456delC).
Protein change: p.Arg2486fs; shifts the reading frame from arginine 2486.
Molecular consequence: frameshift variant. On other transcripts: intron variant (2).
Genome position (GRCh38, 1-based): chr11:108,330,362, C deleted; the last of 2 consecutive C bases (chr11:108,330,361-108,330,362); deleting either gives the same sequence. VCF-style (leftmost placement, unchanged base first): chr11-108330360-TC-T. GRCh37 (hg19) VCF-style: chr11-108201087-TC-T.
Other names: c.7456del, p.Arg2486fs (NM_001351834.2); c.641-21290del (NM_001330368.2); c.*38+4859del (NM_001351110.2); short protein forms R2486fs.
Identifiers: ClinVar variation 2836551 (VCV002836551.3), dbSNP rs2547263545, ClinGen allele CA2574971513.

ClinVar aggregate classification (germline): Pathogenic (1 of 4 stars; one submission).

Conditions:
Ataxia-telangiectasia syndrome (AT). Also called: LOUIS-BAR SYNDROME; Cerebello-oculocutaneous telangiectasia; Immunodeficiency with ataxia telangiectasia; Ataxia telangiectasia (A-T); Ataxia-telangiectasia, complementation group D; AT, COMPLEMENTATION GROUP C. Identifiers: Orphanet 100, MedGen C0004135, MONDO:0008840, OMIM 208900.

Submission:

Labcorp Genetics (formerly Invitae), Labcorp
Classification: Pathogenic for Ataxia-telangiectasia syndrome. Last evaluated: 2023-02-13. Review status: criteria provided, single submitter. Criteria: Invitae Variant Classification Sherloc (09022015). Collection method: clinical testing. Allele origin: germline.
Comment: This variant has not been reported in the literature in individuals affected with ATM-related conditions. For these reasons, this variant has been classified as Pathogenic. This variant is not present in population databases (gnomAD no frequency). This sequence change creates a premature translational stop signal (p.Arg2486Aspfs*18) in the ATM gene. It is expected to result in an absent or disrupted protein product. Loss-of-function variants in ATM are known to be pathogenic (PMID: 23807571, 25614872).

Literature cited by the submitters: PubMed 23807571; PubMed 25614872.